The following is an entry in ClinVar:

ClinVar aggregate classification (germline): Uncertain significance. Review status: criteria provided, multiple submitters, no conflicts (2 of 4 stars). 5 submissions from 5 submitters: Uncertain significance (4). 1 of the submissions does not count toward it. Last evaluated 2025-12-17.

Conditions:
Familial cancer of breast. Also called: Hereditary breast cancer; BREAST CANCER, FAMILIAL; hereditary breast carcinoma. Identifiers: Orphanet 227535, MedGen C0346153, MONDO:0016419, OMIM 114480. Disease mechanism: loss of function.
Hereditary cancer-predisposing syndrome. Also called: Neoplastic Syndromes, Hereditary; Hereditary neoplastic syndrome; Tumor predisposition; Hereditary Cancer Syndrome. Identifiers: Orphanet 140162, MedGen C0027672, MeSH D009386, MONDO:0015356.
Hereditary breast ovarian cancer syndrome. Also called: Hereditary breast and/or ovarian cancer syndrome; Breast and ovarian cancer; Hereditary breast and ovarian cancer; Hereditary breast and ovarian cancer syndrome (HBOC); Hereditary breast and ovarian cancer syndrome; BRCA1- and BRCA2-Associated Hereditary Breast and Ovarian Cancer. Identifiers: Orphanet 145, MedGen C0677776, MeSH D061325, MONDO:0003582. Disease mechanism: loss of function.

Submissions (5):

Ambry Genetics
Classification: Uncertain significance for Hereditary cancer-predisposing syndrome. Last evaluated: 2025-12-17. Review status: criteria provided, single submitter. Criteria: Ambry Variant Classification Scheme 2023. Collection method: clinical testing. Allele origin: germline.
Comment: The p.I2297T variant (also known as c.6890T>C), located in coding exon 11 of the BRCA2 gene, results from a T to C substitution at nucleotide position 6890. The isoleucine at codon 2297 is replaced by threonine, an amino acid with similar properties. This amino acid position is not well conserved in available vertebrate species. In addition, the in silico prediction for this alteration is inconclusive. Based on the available evidence, the clinical significance of this variant remains unclear.

Baylor Genetics
Classification: Uncertain significance for Familial cancer of breast. Last evaluated: 2023-08-09. Review status: criteria provided, single submitter. Criteria: ACMG Guidelines, 2015. Collection method: clinical testing. Allele origin: unknown.

Labcorp Genetics (formerly Invitae), Labcorp
Classification: Uncertain significance for Hereditary breast ovarian cancer syndrome. Last evaluated: 2020-07-16. Review status: criteria provided, single submitter. Criteria: Invitae Variant Classification Sherloc (09022015). Collection method: clinical testing. Allele origin: germline.
Comment: Advanced modeling of protein sequence and biophysical properties (such as structural, functional, and spatial information, amino acid conservation, physicochemical variation, residue mobility, and thermodynamic stability) performed at Invitae indicates that this missense variant is not expected to disrupt BRCA2 protein function. This sequence change replaces isoleucine with threonine at codon 2297 of the BRCA2 protein (p.Ile2297Thr). The isoleucine residue is weakly conserved and there is a moderate physicochemical difference between isoleucine and threonine. This variant is not present in population databases (ExAC no frequency). This variant has not been reported in the literature in individuals with BRCA2-related conditions. ClinVar contains an entry for this variant (Variation ID: 632716). In summary, the available evidence is currently insufficient to determine the role of this variant in disease. Therefore, it has been classified as a Variant of Uncertain Significance.

Women's Health and Genetics/Laboratory Corporation of America, LabCorp
Classification: Uncertain significance. Last evaluated: 2018-08-07. Review status: criteria provided, single submitter. Criteria: LabCorp Variant Classification Summary - May 2015. Collection method: clinical testing. Allele origin: germline.
Comment: Variant summary: BRCA2 c.6890T>C (p.Ile2297Thr) results in a non-conservative amino acid change in the encoded protein sequence. Four of five in-silico tools predict a benign effect of the variant on protein function. The variant was absent in 245264 control chromosomes (gnomAD). The available data on variant occurrences in the general population are insufficient to allow any conclusion about variant significance. To our knowledge, no occurrence of c.6890T>C in individuals affected with Hereditary Breast and Ovarian Cancer and no experimental evidence demonstrating its impact on protein function have been reported. No clinical diagnostic laboratories have submitted clinical-significance assessments for this variant to ClinVar after 2014. Based on the evidence outlined above, the variant was classified as uncertain significance.

Center for Precision Medicine, Meizhou People's Hospital
Classification: Uncertain significance for Familial cancer of breast. Review status: no assertion criteria provided. Collection method: curation. Allele origin: germline. Affected: yes. Not counted in ClinVar's aggregate classification.

NM_000059.4(BRCA2):c.6890T>C (p.Ile2297Thr)

Gene: BRCA2 (BRCA2 DNA repair associated; plus strand). Cytogenetic location: 13q13.1.
Variant type: single nucleotide variant.
Coding change: c.6890T>C on transcript NM_000059.4 (MANE Select); coding-DNA position 6890, T replaced by C.
Protein change: p.Ile2297Thr; replaces isoleucine 2297 with threonine.
Molecular consequence: missense variant.
Genome position (GRCh38, 1-based): chr13:32,344,606, T>C. VCF-style: chr13-32344606-T-C. GRCh37 (hg19) VCF-style: chr13-32918743-T-C.
Other names: short protein forms I2297T.
Identifiers: ClinVar variation 632716 (VCV000632716.14), dbSNP rs1566236920, ClinGen allele CA387792800.